The following is an entry in ClinVar:

ClinVar aggregate classification (germline): Uncertain significance (1 of 4 stars; one submission).

Submission:

GeneDx
Classification: Uncertain significance. Last evaluated: 2024-06-17. Review status: criteria provided, single submitter. Criteria: GeneDx Variant Classification Process June 2021. Collection method: clinical testing. Allele origin: germline. Affected: yes.
Comment: Not observed at significant frequency in large population cohorts (gnomAD); Missense variant in a gene in which most reported pathogenic variants are truncating/loss of function; Has not been previously published as pathogenic or benign to our knowledge

NM_001267550.2(TTN):c.18626A>C (p.Glu6209Ala)

Genes: TTN (titin; minus strand), LOC126806430 (BRD4-independent group 4 enhancer GRCh37_chr2:179593794-179594993; plus strand). Cytogenetic location: 2q31.2.
Variant type: single nucleotide variant.
Coding change: c.18626A>C on transcript NM_001267550.2 (MANE Select); coding-DNA position 18626, A replaced by C.
Protein change: p.Glu6209Ala; replaces glutamic acid 6209 with alanine.
Molecular consequence: missense variant. On other transcripts: intron variant (3).
Genome position (GRCh38, 1-based): chr2:178,729,530, T>G on the plus strand (A>C on the coding strand, the complement: TTN is on the minus strand). VCF-style: chr2-178729530-T-G. GRCh37 (hg19) VCF-style: chr2-179594257-T-G.
Other names: c.17675A>C, p.Glu5892Ala (NM_001256850.1); c.14894A>C, p.Glu4965Ala (NM_133378.4); c.13282+8552A>C (NM_003319.4); c.13858+8552A>C (NM_133437.4); c.13657+8552A>C (NM_133432.3); short protein forms E4965A, E5892A, E6209A.
Identifiers: ClinVar variation 3391585 (VCV003391585.1).